The following is an entry in ClinVar:

NM_001126108.2(SLC12A3):c.2191G>A (p.Gly731Arg)

Gene: SLC12A3 (solute carrier family 12 member 3; plus strand). Cytogenetic location: 16q13.
Variant type: single nucleotide variant.
Coding change: c.2191G>A on transcript NM_001126108.2 (MANE Select); coding-DNA position 2191, G replaced by A.
Protein change: p.Gly731Arg; replaces glycine 731 with arginine.
Molecular consequence: missense variant.
Genome position (GRCh38, 1-based): chr16:56,887,937, G>A. VCF-style: chr16-56887937-G-A. GRCh37 (hg19) VCF-style: chr16-56921849-G-A.
Other names: c.2191G>A, p.Gly731Arg (NM_000339.3); c.2188G>A, p.Gly730Arg (NM_001126107.2); short protein forms G731R, G730R.
Identifiers: ClinVar variation 562347 (VCV000562347.25), dbSNP rs752101663, ClinGen allele CA8069791.

ClinVar aggregate classification (germline): Pathogenic/Likely pathogenic. Review status: criteria provided, multiple submitters, no conflicts (2 of 4 stars). 10 submissions from 10 submitters: Pathogenic (7); Likely pathogenic (2). 1 of the submissions does not count toward it. Last evaluated 2026-05-01.

Conditions:
SLC12A3-related disorder. Also called: SLC12A3-related condition.
Familial hypokalemia-hypomagnesemia (GTLMNS). Also called: POTASSIUM AND MAGNESIUM DEPLETION; gitelman syndrome; HYPOMAGNESEMIA-HYPOKALEMIA, PRIMARY RENOTUBULAR, WITH HYPOCALCIURIA. Identifiers: Orphanet 358, MedGen C0268450, MONDO:0009904, OMIM 263800.

Allele frequency attached by ClinVar (database versions not stated): gnomAD exomes 0.00001 and 0.00002; ExAC 0.00002; gnomAD 0.00005; TOPMed 0.00006.
gnomAD v4.1: 31 of 1,612,116 alleles (0.0019%); highest among the groups gnomAD compares: African/African-American, 0.0094%; no homozygotes.

Submissions (10):

CeGaT Center for Human Genetics Tuebingen
Classification: Pathogenic. Last evaluated: 2026-05-01. Review status: criteria provided, single submitter. Criteria: CeGaT Center For Human Genetics Tuebingen Variant Classification Criteria Version 2. Collection method: clinical testing. Allele origin: germline. Affected: yes. Observed: 1 variant allele.
Comment: SLC12A3: PM3:Very Strong, PM2, PP3, PS3:Supporting

Labcorp Genetics (formerly Invitae), Labcorp
Classification: Pathogenic. Last evaluated: 2026-01-17. Review status: criteria provided, single submitter. Criteria: Invitae Variant Classification Sherloc (09022015). Collection method: clinical testing. Allele origin: germline.
Comment: This sequence change replaces glycine, which is neutral and non-polar, with arginine, which is basic and polar, at codon 731 of the SLC12A3 protein (p.Gly731Arg). This variant is present in population databases (rs752101663, gnomAD 0.004%). This missense change has been observed in individual(s) with Gitelman syndrome (PMID: 8900229, 12112667, 21415153, 25422309). In at least one individual the data is consistent with being in trans (on the opposite chromosome) from a pathogenic variant. ClinVar contains an entry for this variant (Variation ID: 562347). Invitae Evidence Modeling of protein sequence and biophysical properties (such as structural, functional, and spatial information, amino acid conservation, physicochemical variation, residue mobility, and thermodynamic stability) indicates that this missense variant is expected to disrupt SLC12A3 protein function with a positive predictive value of 95%. Experimental studies have shown that this missense change affects SLC12A3 function (PMID: 27582097). For these reasons, this variant has been classified as Pathogenic.

Natera, Inc.
Classification: Pathogenic for Gitelman syndrome. Last evaluated: 2025-07-14. Review status: criteria provided, single submitter. Criteria: Natera Variant Classification Schema (03/2026). Collection method: clinical testing. Allele origin: germline.
Comment: The c.2191G>A variant in SLC12A3 is a missense variant predicted to cause substitution of glycine to arginine at amino acid 731. This variant is rare in the general population with a frequency below the threshold expected for the associated phenotype(s). This variant has been observed in one or more individuals affected with the associated recessive disease, as either homozygous or compound heterozygous with a second variant (PMID: 33238651, 31672324, 30596175, 21415153). Computational prediction algorithms indicate this variant is likely to affect gene or protein function. Given the available evidence, this variant is classified as Pathogenic.

Fulgent Genetics
Classification: Pathogenic for Familial hypokalemia-hypomagnesemia. Last evaluated: 2024-02-29. Review status: criteria provided, single submitter. Criteria: ACMG Guidelines, 2015. Collection method: clinical testing. Allele origin: germline.

Blueprint Genetics
Classification: Pathogenic for SLC12A3-related disorders. Last evaluated: 2023-10-27. Review status: criteria provided, single submitter. Criteria: ACMG Guidelines, 2015. Collection method: clinical testing. Allele origin: germline. Affected: yes. Observed: 5 variant alleles.

European Hospital Georges Pompidou Genetics Department, Assistance Publique - Hôpitaux de Paris AP-HP
Classification: Pathogenic for Familial hypokalemia-hypomagnesemia. Last evaluated: 2022-04-27. Review status: criteria provided, single submitter. Criteria: ACMG Guidelines, 2015. Collection method: clinical testing. Allele origin: germline. Affected: yes.
Comment: ACMG criteria used:PS3, PS4, PM1, PM2, PM3, PP3, PP5

Genome-Nilou Lab
Classification: Pathogenic for Familial hypokalemia-hypomagnesemia. Last evaluated: 2021-07-15. Review status: criteria provided, single submitter. Criteria: ACMG Guidelines, 2015. Collection method: clinical testing. Allele origin: germline. Affected: no.

Division Of Personalized Genomic Medicine, Columbia University Irving Medical Center
Classification: Likely pathogenic for Familial hypokalemia-hypomagnesemia. Last evaluated: 2020-04-13. Review status: criteria provided, single submitter. Criteria: ACMG Guidelines, 2015. Collection method: clinical testing. Allele origin: germline. Inheritance: Autosomal recessive inheritance. Affected: yes. Observed: 1 compound heterozygote.
Comment: The c.2191G>A variant in the SLC12A3 gene is a heterozygous missense variant, which results in the substitution of the highly conserved glycine residue at the 731 position to arginine (p.Gly731Arg). This variant localizes to coding exon 18 of the SLC12A3 gene (26 exons total; NM_000339.3). This variant is predicted to be deleterious and damaging to protein structure and/or function based on in silico analyses (PROVEAN and SIFT). This variant has been observed in the Genome Aggregation Database (gnomAD) at a very low frequency (allele frequency = 0.00002837, no homozygotes), indicating it is not a common benign variant in the populations represented in this database. This variant has been reported in multiple individuals with Gitelman syndrome either in the homozygous state or with another SLC12A3 variant (PMIDs: 17699451, 21415153, 30596175, 25422309).

Juno Genomics, Hangzhou Juno Genomics, Inc
Classification: Likely pathogenic for Familial hypokalemia-hypomagnesemia. Review status: criteria provided, single submitter. Criteria: ACMG Guidelines, 2015. Collection method: clinical testing. Allele origin: germline.
Comment: Absent from controls (or at extremely low frequency if recessive) in Genome Aggregation Database.;For recessive disorders, detected in trans with a pathogenic variant.;Well-established in vitro or in vivo functional studies supportive of a damaging effect on the gene or gene product.

Gharavi Laboratory, Columbia University
Classification: Likely pathogenic. Last evaluated: 2018-09-16. Review status: no assertion criteria provided. Criteria: ACMG Guidelines, 2015. Collection method: research. Allele origin: germline. Affected: yes. Not counted in ClinVar's aggregate classification.

Literature cited by the submitters: PubMed 8900229 (cited by Labcorp Genetics (formerly Invitae), Labcorp); PubMed 12112667 (cited by Labcorp Genetics (formerly Invitae), Labcorp); PubMed 21415153 (cited by 3 submitters); PubMed 25422309 (cited by Labcorp Genetics (formerly Invitae), Labcorp and Division Of Personalized Genomic Medicine, Columbia University Irving Medical Center); PubMed 27582097 (cited by Labcorp Genetics (formerly Invitae), Labcorp); PubMed 33238651 (cited by Natera, Inc.); PubMed 31672324 (cited by Natera, Inc.); PubMed 30596175 (cited by Natera, Inc. and Division Of Personalized Genomic Medicine, Columbia University Irving Medical Center); PubMed 17699451 (cited by Division Of Personalized Genomic Medicine, Columbia University Irving Medical Center).